The following is an entry in ClinVar:

NM_000277.3(PAH):c.618C>G (p.Tyr206Ter)

Gene: PAH (phenylalanine hydroxylase; minus strand). Cytogenetic location: 12q23.2.
Variant type: single nucleotide variant.
Coding change: c.618C>G on transcript NM_000277.3 (MANE Select); coding-DNA position 618, C replaced by G.
Protein change: p.Tyr206Ter; replaces tyrosine 206 with a stop codon.
Molecular consequence: nonsense.
Genome position (GRCh38, 1-based): chr12:102,855,224, G>C on the plus strand (C>G on the coding strand, the complement: PAH is on the minus strand). VCF-style: chr12-102855224-G-C. GRCh37 (hg19) VCF-style: chr12-103249002-G-C.
Other names: c.618C>G, p.Tyr206Ter (NM_001354304.2); short protein forms Y206*.
Identifiers: ClinVar variation 102763 (VCV000102763.4), dbSNP rs62517201, ClinGen allele CA229662.

ClinVar aggregate classification (germline): Pathogenic. Review status: reviewed by expert panel (3 of 4 stars). 4 submissions from 4 submitters: Pathogenic (1). 3 of the submissions do not count toward it. Last evaluated 2020-04-13.

Conditions:
Phenylketonuria (PKU). Also called: Phenylketonuria (PKU); FOLLING DISEASE; OLIGOPHRENIA PHENYLPYRUVICA; Phenylketonurias. Identifiers: Orphanet 716, MedGen C0031485, MONDO:0009861, OMIM 261600. Disease mechanism: loss of function.

Submissions (4):

ClinGen PAH Variant Curation Expert Panel
Classification: Pathogenic for Phenylketonuria. Last evaluated: 2020-04-13. Review status: reviewed by expert panel. Criteria: ClinGen PAH ACMG Specifications v1. Collection method: curation. Allele origin: germline. Inheritance: Autosomal recessive inheritance.
Comment: The c.618C>G (p.Tyr206Ter) variant in PAH is a null variant (nonsense variant) in exon 6 of 13 in a gene where LOF is a known mechanism of disease, leading to premature truncation and NMD (PVS1). It is absent from ethnically diverse control databases, including gnomAD/ExAC, 1000 Genomes, and ESP (PM2). It has been reported in at least six PKU patients (per abnormal blood Phe levels) (PP4), including in trans with pathogenic variants: with R158Q (pathogenic per PAH VCEP) (PMID: 30829006); It has also been reported Likely Pathogenic by one lab in ClinVar (variation ID 102763). Classification: Pathogenic Supporting criteria: PVS1, PM2; PM3_VeryStrong; PP4

Myriad Genetics, Inc.
Classification: Pathogenic for Phenylketonuria. Last evaluated: 2025-01-14. Review status: criteria provided, single submitter. Criteria: Myriad Autosomal Dominant, Autosomal Recessive and X-Linked Classification Criteria (2023). Collection method: clinical testing. Allele origin: unknown. Not counted in ClinVar's aggregate classification.
Comment: NM_000277.1(PAH):c.618C>G(Y206*) is expected to be pathogenic in the context of phenylalanine hydroxylase deficiency. This variant is predicted to lead to an abnormal or absent protein product due to the creation of a premature termination codon in PAH, a gene where loss-of-function variants are known to be pathogenic. Please note: this variant was assessed in the context of healthy population screening.

GeneID Lab - Advanced Molecular Diagnostics
Classification: Likely pathogenic for Phenylketonuria. Last evaluated: 2017-09-07. Review status: criteria provided, single submitter. Criteria: ACMG Guidelines, 2015. Collection method: clinical testing. Allele origin: germline. Affected: no. Observed: 1 variant allele. Not counted in ClinVar's aggregate classification.

DeBelle Laboratory for Biochemical Genetics, MUHC/MCH RESEARCH INSTITUTE
No classification provided. Review status: no classification provided. Collection method: not provided. Allele origin: not provided. Not counted in ClinVar's aggregate classification.

Literature cited by the submitters: PubMed 23514811 (cited by ClinGen PAH Variant Curation Expert Panel).